The following is an entry in ClinVar:

NM_020975.6(RET):c.1159G>T (p.Gly387Cys)

Gene: RET (ret proto-oncogene; plus strand). Cytogenetic location: 10q11.21.
Variant type: single nucleotide variant.
Coding change: c.1159G>T on transcript NM_020975.6 (MANE Select); coding-DNA position 1159, G replaced by T.
Protein change: p.Gly387Cys; replaces glycine 387 with cysteine.
Molecular consequence: missense variant. On other transcripts: intron variant (18).
Genome position (GRCh38, 1-based): chr10:43,109,126, G>T. VCF-style: chr10-43109126-G-T. GRCh37 (hg19) VCF-style: chr10-43604574-G-T.
Other names: c.1159G>T, p.Gly387Cys (NM_001406744.1, NM_001406759.1, NM_001406760.1 and 4 more transcripts); c.1030G>T, p.Gly344Cys (NM_001406761.1, NM_001406762.1, NM_001406764.1 and 1 more transcripts); c.871G>T, p.Gly291Cys (NM_001406766.1, NM_001406767.1, NM_001406770.1); c.397G>T, p.Gly133Cys (NM_001355216.2); c.868-2081G>T (NM_001406772.1, NM_001406769.1); c.626-2973G>T (NM_001406782.1, NM_001406780.1, NM_001406779.1 and 3 more transcripts); c.739-2081G>T (NM_001406774.1); c.497-2973G>T (NM_001406786.1, NM_001406783.1); and 5 more; short protein forms G133C, G145C, G241C, G291C, G344C, G387C, G57C.
Identifiers: ClinVar variation 4757816 (VCV004757816.1).
Genomic context (GRCh38, chr10:43,109,126, plus strand): 5'-AACCGCACCATGCAGCTGGCGGTGCTGGTCAATGACTCAGACTTCCAGGGCCCAGGAGCG[G>T]GCGTCCTCTTGCTCCACTTCAACGTGTCGGTGCTGCCGGTCAGCCTGCACCTGCCCAGTA-3'
Protein context (NP_066124.1, residues 377-397): NDSDFQGPGA[Gly387Cys]VLLLHFNVSV

ClinVar aggregate classification (germline): Uncertain significance (1 of 4 stars; one submission).

Conditions:
Multiple endocrine neoplasia, type 2 (MEN2). Identifiers: Orphanet 653, MedGen C4048306, MONDO:0019003. Disease mechanism: gain of function.

Submission:

Color Diagnostics, LLC DBA Color Health
Classification: Uncertain significance for Multiple endocrine neoplasia, type 2. Last evaluated: 2025-09-10. Review status: criteria provided, single submitter. Criteria: ACMG Guidelines, 2015. Collection method: clinical testing. Allele origin: germline.
Comment: This missense variant replaces glycine with cysteine at codon 387 of the RET protein. Computational prediction is inconclusive regarding the impact of this variant on protein structure and function. To our knowledge, functional studies have not been reported for this variant. This variant has not been reported in individuals affected with RET-related disorders in the literature. This variant has not been identified in the general population by the Genome Aggregation Database (gnomAD). The available evidence is insufficient to determine the role of this variant in disease conclusively. Therefore, this variant is classified as a Variant of Uncertain Significance.